The following is an entry in ClinVar:

ClinVar aggregate classification (germline): Likely benign. Review status: criteria provided, multiple submitters, no conflicts (2 of 4 stars). 5 submissions from 5 submitters: Likely benign (5). Last evaluated 2026-01-27.

Conditions:
Inborn genetic diseases. Identifiers: MedGen C0950123, MeSH D030342.

Allele frequency attached by ClinVar (database versions not stated): gnomAD exomes 0.00019 and 0.00028; TOPMed 0.00019; ExAC 0.00025; gnomAD 0.00025 and 0.00026.
gnomAD v4.1: 312 of 1,613,468 alleles (0.019%); highest among the groups gnomAD compares: Middle Eastern, 0.43%; 2 homozygotes.

Submissions (5):

Labcorp Genetics (formerly Invitae), Labcorp
Classification: Likely benign. Last evaluated: 2026-01-27. Review status: criteria provided, single submitter. Criteria: Invitae Variant Classification Sherloc (09022015). Collection method: clinical testing. Allele origin: germline.

CeGaT Center for Human Genetics Tuebingen
Classification: Likely benign. Last evaluated: 2025-02-01. Review status: criteria provided, single submitter. Criteria: CeGaT Center For Human Genetics Tuebingen Variant Classification Criteria Version 2. Collection method: clinical testing. Allele origin: germline. Affected: yes. Observed: 4 variant alleles.
Comment: MDH2: BP4, BP7

Blueprint Genetics
Classification: Likely benign. Last evaluated: 2024-10-25. Review status: criteria provided, single submitter. Criteria: ACMG Guidelines, 2015. Collection method: clinical testing. Allele origin: germline.

Ambry Genetics
Classification: Likely benign for Inborn genetic diseases. Last evaluated: 2022-02-18. Review status: criteria provided, single submitter. Criteria: Ambry Variant Classification Scheme 2023. Collection method: clinical testing. Allele origin: germline.

Breakthrough Genomics
Classification: Likely benign. Review status: criteria provided, single submitter. Criteria: ACMG Guidelines, 2015. Collection method: not provided. Allele origin: germline. Inheritance: Autosomal recessive inheritance. Affected: yes.

NM_005918.4(MDH2):c.222A>G (p.Lys74=)

Gene: MDH2 (malate dehydrogenase 2; plus strand). Cytogenetic location: 7q11.23.
Variant type: single nucleotide variant.
Coding change: c.222A>G on transcript NM_005918.4 (MANE Select); coding-DNA position 222, A replaced by G.
Protein change: p.Lys74=; no amino-acid change (lysine 74 retained).
Molecular consequence: synonymous variant. On other transcripts: intron variant (1).
Genome position (GRCh38, 1-based): chr7:76,054,985, A>G. VCF-style: chr7-76054985-A-G. GRCh37 (hg19) VCF-style: chr7-75684303-A-G.
Other names: c.222A>G, p.Lys74= (NM_001282403.2); c.-86-2425A>G (NM_001282404.2).
Identifiers: ClinVar variation 1662161 (VCV001662161.34), dbSNP rs769743658, ClinGen allele CA4305448.